The following is an entry in ClinVar:

ClinVar aggregate classification (germline): Conflicting classifications of pathogenicity. Review status: criteria provided, conflicting classifications (1 of 4 stars). 3 submissions from 3 submitters: Uncertain significance (2); Likely benign (1). Last evaluated 2024-11-09.

Conditions:
Nemaline myopathy 2 (NEM2). Also called: Nemaline myopathy 2, autosomal recessive. Identifiers: MedGen C1850569, MONDO:0009725, OMIM 256030.
Inborn genetic diseases. Identifiers: MedGen C0950123, MeSH D030342.

Allele frequency attached by ClinVar (database versions not stated): TOPMed 0.00001.
gnomAD v4.1: 9 of 1,612,708 alleles (0.00056%); highest among the groups gnomAD compares: Admixed American, 0.0033%; no homozygotes.

Submissions (3):

Ambry Genetics
Classification: Uncertain significance for Inborn genetic diseases. Last evaluated: 2024-11-09. Review status: criteria provided, single submitter. Criteria: Ambry Variant Classification Scheme 2023. Collection method: clinical testing. Allele origin: germline.

Labcorp Genetics (formerly Invitae), Labcorp
Classification: Uncertain significance for Nemaline myopathy 2. Last evaluated: 2022-03-23. Review status: criteria provided, single submitter. Criteria: Invitae Variant Classification Sherloc (09022015). Collection method: clinical testing. Allele origin: germline.
Comment: This sequence change replaces methionine, which is neutral and non-polar, with threonine, which is neutral and polar, at codon 6584 of the NEB protein (p.Met6584Thr). This variant is not present in population databases (gnomAD no frequency). This variant has not been reported in the literature in individuals affected with NEB-related conditions. ClinVar contains an entry for this variant (Variation ID: 511878). Algorithms developed to predict the effect of missense changes on protein structure and function are either unavailable or do not agree on the potential impact of this missense change (SIFT: "Tolerated"; PolyPhen-2: "Not Available"; Align-GVGD: "Class C0"). In summary, the available evidence is currently insufficient to determine the role of this variant in disease. Therefore, it has been classified as a Variant of Uncertain Significance.

GeneDx
Classification: Likely benign. Last evaluated: 2017-09-07. Review status: criteria provided, single submitter. Criteria: GeneDx Variant Classification (06012015). Collection method: clinical testing. Allele origin: germline. Affected: yes.
Comment: This variant is considered likely benign or benign based on one or more of the following criteria: it is a conservative change, it occurs at a poorly conserved position in the protein, it is predicted to be benign by multiple in silico algorithms, and/or has population frequency not consistent with disease.

NM_001164508.2(NEB):c.19751T>C (p.Met6584Thr)

Gene: NEB (nebulin; minus strand). Cytogenetic location: 2q23.3.
Variant type: single nucleotide variant.
Coding change: c.19751T>C on transcript NM_001164508.2 (MANE Select); coding-DNA position 19751, T replaced by C.
Protein change: p.Met6584Thr; replaces methionine 6584 with threonine.
Molecular consequence: missense variant.
Genome position (GRCh38, 1-based): chr2:151,552,757, A>G on the plus strand (T>C on the coding strand, the complement: NEB is on the minus strand). VCF-style: chr2-151552757-A-G. GRCh37 (hg19) VCF-style: chr2-152409271-A-G.
Other names: c.19751T>C, p.Met6584Thr (NM_001164507.2, NM_001271208.2); c.14648T>C, p.Met4883Thr (NM_004543.5); c.14648T>C (NM_004543.4); short protein forms M6584T, M4883T.
Identifiers: ClinVar variation 511878 (VCV000511878.8), dbSNP rs190605644, ClinGen allele CA348788083.